The following is an entry in ClinVar:

ClinVar aggregate classification (germline): Pathogenic/Likely pathogenic. Review status: criteria provided, multiple submitters, no conflicts (2 of 4 stars). 3 submissions from 3 submitters: Pathogenic (1); Likely pathogenic (2). Last evaluated 2025-04-07.

Conditions:
Autosomal recessive polycystic kidney disease (ARPKD). Also called: AR polycystic kidney disease. Identifiers: Orphanet 731, Orphanet 8378, MedGen C0085548, MeSH D017044, MONDO:0009889.
Polycystic kidney disease 4 (PKD4). Also called: POLYCYSTIC KIDNEY AND HEPATIC DISEASE 1; POLYCYSTIC KIDNEY DISEASE, INFANTILE, TYPE I; PKD3; POLYCYSTIC KIDNEY DISEASE 4 WITH OR WITHOUT POLYCYSTIC LIVER DISEASE; Autosomal Recessive Polycystic Kidney Disease – PKHD1. Identifiers: MedGen C4540575, MONDO:0033004, OMIM 263200.

Submissions (3):

Natera, Inc.
Classification: Pathogenic for Autosomal recessive polycystic kidney disease. Last evaluated: 2025-04-07. Review status: criteria provided, single submitter. Criteria: Natera Variant Classification Schema (03/2026). Collection method: clinical testing. Allele origin: germline.
Comment: The c.6332+1G>A variant in PKHD1 is a canonical splice donor site variant predicted to affect pre-mRNA splicing, which may result in an abnormal transcript and altered protein product. This variant is expected to result in nonsense mediated decay, truncation, or a dysfunctional protein product. This variant is rare in the general population with a frequency below the threshold expected for the associated phenotype(s). Another variant at this same site results in an alteration predicted to cause a similar molecular effect has been observed in individual(s) with the associated phenotype. Given the available evidence, this variant is classified as Pathogenic.

Labcorp Genetics (formerly Invitae), Labcorp
Classification: Likely pathogenic for Autosomal recessive polycystic kidney disease. Last evaluated: 2023-11-17. Review status: criteria provided, single submitter. Criteria: Invitae Variant Classification Sherloc (09022015). Collection method: clinical testing. Allele origin: germline.
Comment: This sequence change affects a donor splice site in intron 38 of the PKHD1 gene. It is expected to disrupt RNA splicing. Variants that disrupt the donor or acceptor splice site typically lead to a loss of protein function (PMID: 16199547), and loss-of-function variants in PKHD1 are known to be pathogenic (PMID: 19940839). This variant is not present in population databases (gnomAD no frequency). This variant has not been reported in the literature in individuals affected with PKHD1-related conditions. Algorithms developed to predict the effect of sequence changes on RNA splicing suggest that this variant may disrupt the consensus splice site. In summary, the currently available evidence indicates that the variant is pathogenic, but additional data are needed to prove that conclusively. Therefore, this variant has been classified as Likely Pathogenic.

Baylor Genetics
Classification: Likely pathogenic for Polycystic kidney disease 4. Last evaluated: 2023-10-14. Review status: criteria provided, single submitter. Criteria: ACMG Guidelines, 2015. Collection method: clinical testing. Allele origin: unknown.

Literature cited by the submitters: PubMed 16199547 (cited by Labcorp Genetics (formerly Invitae), Labcorp); PubMed 19940839 (cited by Labcorp Genetics (formerly Invitae), Labcorp).

NM_138694.4(PKHD1):c.6332+1G>A

Gene: PKHD1 (PKHD1 ciliary IPT domain containing fibrocystin/polyductin; minus strand). Cytogenetic location: 6p12.2.
Variant type: single nucleotide variant.
Coding change: c.6332+1G>A on transcript NM_138694.4 (MANE Select); the canonical splice donor site of the intron after coding-DNA position 6332, G replaced by A.
Molecular consequence: splice donor variant.
Genome position (GRCh38, 1-based): chr6:51,912,365, C>T on the plus strand (G>A on the coding strand, the complement: PKHD1 is on the minus strand). VCF-style: chr6-51912365-C-T. GRCh37 (hg19) VCF-style: chr6-51777163-C-T.
Other names: c.6332+1G>A (NM_170724.3, NM_138694.3).
Identifiers: ClinVar variation 2677773 (VCV002677773.5), dbSNP rs1042247087, ClinGen allele CA138910805.
Genomic context (GRCh38, chr6:51,912,365, plus strand): 5'-CCCAATACAGTTAAGATCTCATCTTCTTCCATGTCAACTTAGCCAAGCTGACACTCAGTA[C>T]CTCAAAGGTGACTTAAGATAGAGGTCTGTATCCTGCACAGTTTCCACAGTGACAATCTCT-3'